The following is an entry in ClinVar:

ClinVar aggregate classification (germline): Conflicting classifications of pathogenicity. Review status: criteria provided, conflicting classifications (1 of 4 stars). 7 submissions from 7 submitters: Uncertain significance (4); Likely benign (1). 2 of the submissions do not count toward it. Last evaluated 2026-05-18.

Conditions:
Alstrom syndrome (ALMS). Identifiers: Orphanet 64, MedGen C0268425, MONDO:0008763, OMIM 203800.
Cardiovascular phenotype. Identifiers: MedGen CN230736.

Allele frequency attached by ClinVar (database versions not stated): gnomAD 0.00018 and 0.00019; TOPMed 0.00019; ExAC 0.00002; gnomAD exomes 0.00005; ESP Exome Variant Server 0.00008.
gnomAD v4.1: 56 of 1,613,904 alleles (0.0035%); highest among the groups gnomAD compares: African/African-American, 0.071%; no homozygotes.

Submissions (7):

Women's Health and Genetics/Laboratory Corporation of America, LabCorp
Classification: Uncertain significance. Last evaluated: 2026-05-18. Review status: criteria provided, single submitter. Criteria: LabCorp Variant Classification Summary - May 2015. Collection method: clinical testing. Allele origin: germline.

GeneDx
Classification: Uncertain significance. Last evaluated: 2023-04-04. Review status: criteria provided, single submitter. Criteria: GeneDx Variant Classification Process June 2021. Collection method: clinical testing. Allele origin: germline. Affected: yes.
Comment: Has not been previously published as pathogenic or benign to our knowledge; In silico analysis supports that this missense variant does not alter protein structure/function

Ambry Genetics
Classification: Likely benign for Cardiovascular phenotype. Last evaluated: 2023-03-24. Review status: criteria provided, single submitter. Criteria: Ambry Variant Classification Scheme 2023. Collection method: clinical testing. Allele origin: germline.

Labcorp Genetics (formerly Invitae), Labcorp
Classification: Uncertain significance for Alstrom syndrome. Last evaluated: 2022-08-31. Review status: criteria provided, single submitter. Criteria: Invitae Variant Classification Sherloc (09022015). Collection method: clinical testing. Allele origin: germline.
Comment: This sequence change replaces aspartic acid, which is acidic and polar, with tyrosine, which is neutral and polar, at codon 2214 of the ALMS1 protein (p.Asp2214Tyr). This variant is present in population databases (rs367656336, gnomAD 0.07%). This variant has not been reported in the literature in individuals affected with ALMS1-related conditions. ClinVar contains an entry for this variant (Variation ID: 459879). In summary, the available evidence is currently insufficient to determine the role of this variant in disease. Therefore, it has been classified as a Variant of Uncertain Significance.

Fulgent Genetics
Classification: Uncertain significance for Alstrom syndrome. Last evaluated: 2022-03-29. Review status: criteria provided, single submitter. Criteria: ACMG Guidelines, 2015. Collection method: clinical testing. Allele origin: unknown.

Natera, Inc.
Classification: Uncertain significance for Alstrom syndrome. Last evaluated: 2020-09-16. Review status: no assertion criteria provided. Collection method: clinical testing. Allele origin: germline. Not counted in ClinVar's aggregate classification.

Counsyl
Classification: Uncertain significance for Alstrom syndrome. Last evaluated: 2017-07-12. Review status: no assertion criteria provided. Collection method: clinical testing. Allele origin: unknown. Not counted in ClinVar's aggregate classification.

NM_001378454.1(ALMS1):c.6637G>T (p.Asp2213Tyr)

Gene: ALMS1 (ALMS1 centrosome and basal body associated protein; plus strand). Cytogenetic location: 2p13.1.
Variant type: single nucleotide variant.
Coding change: c.6637G>T on transcript NM_001378454.1 (MANE Select); coding-DNA position 6637, G replaced by T.
Protein change: p.Asp2213Tyr; replaces aspartic acid 2213 with tyrosine.
Molecular consequence: missense variant.
Genome position (GRCh38, 1-based): chr2:73,453,164, G>T. VCF-style: chr2-73453164-G-T. GRCh37 (hg19) VCF-style: chr2-73680291-G-T.
Other names: c.6640G>T, p.Asp2214Tyr (NM_015120.4); short protein forms D2214Y, D2213Y.
Identifiers: ClinVar variation 459879 (VCV000459879.11), dbSNP rs367656336, ClinGen allele CA1714099.